The following is an entry in ClinVar:

ClinVar aggregate classification (germline): Uncertain significance (1 of 4 stars; one submission).

Submission:

GeneDx
Classification: Uncertain significance. Last evaluated: 2026-03-07. Review status: criteria provided, single submitter. Criteria: GeneDx Variant Classification Process June 2021. Collection method: clinical testing. Allele origin: germline.
Comment: Not observed at significant frequency in large population cohorts (gnomAD); In silico analysis suggests that this missense variant does not alter protein structure/function; Has not been previously published as pathogenic or benign to our knowledge

NM_006766.5(KAT6A):c.3329A>T (p.Asp1110Val)

Gene: KAT6A (lysine acetyltransferase 6A; minus strand). Cytogenetic location: 8p11.21.
Variant type: single nucleotide variant.
Coding change: c.3329A>T on transcript NM_006766.5 (MANE Select); coding-DNA position 3329, A replaced by T.
Protein change: p.Asp1110Val; replaces aspartic acid 1110 with valine.
Molecular consequence: missense variant.
Genome position (GRCh38, 1-based): chr8:41,937,279, T>A on the plus strand (A>T on the coding strand, the complement: KAT6A is on the minus strand). VCF-style: chr8-41937279-T-A. GRCh37 (hg19) VCF-style: chr8-41794797-T-A.
Other names: short protein forms D1110V.
Identifiers: ClinVar variation 5008762 (VCV005008762.1).